The following is an entry in ClinVar:

ClinVar aggregate classification (germline): Uncertain significance (1 of 4 stars; one submission).

Allele frequency attached by ClinVar (database versions not stated): TOPMed 0.00003; gnomAD 0.00005; gnomAD exomes 0.00006 and 0.00004.
gnomAD v4.1: 82 of 1,480,052 alleles (0.0055%); highest among the groups gnomAD compares: Non-Finnish European, 0.0068%; no homozygotes.

Submission:

GeneDx
Classification: Uncertain significance. Last evaluated: 2018-05-15. Review status: criteria provided, single submitter. Criteria: GeneDx Variant Classification (06012015). Collection method: clinical testing. Allele origin: germline. Affected: yes.
Comment: A variant of uncertain significance has been identified in the GARS gene. The c.-45 C>T variant has not been published as a pathogenic variant, nor has it been reported as a benign variant to our knowledge. The c.-45 C>T variant is not observed in large population cohorts; however, limited data are available (Lek et al., 2016; 1000 Genomes Consortium et al., 2015; Exome Variant Server). This substitution occurs at a position in the 5' untranslated region that is conserved in mammals. To our knowledge, regulatory variants in GARS have not been published in association with neuropathy (Stenson et al., 2014). Therefore, based on the currently available information, it is unclear whether this variant is a pathogenic variant or a rare benign variant.

NM_002047.2(GARS1):c.-45C>T

Gene: GARS1 (glycyl-tRNA synthetase 1; plus strand). Cytogenetic location: 7p14.3.
Variant type: single nucleotide variant.
Coding change: c.-45C>T on transcript NM_002047.2; 45 bases upstream of the start codon, C replaced by T.
Molecular consequence: 5 prime UTR variant (on NM_001316772.1).
Genome position (GRCh38, 1-based): chr7:30,594,877, C>T. VCF-style: chr7-30594877-C-T. GRCh37 (hg19) VCF-style: chr7-30634493-C-T.
Other names: c.-207C>T (NM_001316772.1).
Identifiers: ClinVar variation 546127 (VCV000546127.4), dbSNP rs903029869, ClinGen allele CA156096052.